The following is an entry in ClinVar:

NM_000090.4(COL3A1):c.582+6T>C

Gene: COL3A1 (collagen type III alpha 1 chain; plus strand). Cytogenetic location: 2q32.2.
Variant type: single nucleotide variant.
Coding change: c.582+6T>C on transcript NM_000090.4 (MANE Select); 6 bases into the intron after coding-DNA position 582, T replaced by C.
Molecular consequence: intron variant.
Genome position (GRCh38, 1-based): chr2:188,988,140, T>C. VCF-style: chr2-188988140-T-C. GRCh37 (hg19) VCF-style: chr2-189852866-T-C.
Other names: IVS7DS, T-C, +6.
Identifiers: ClinVar variation 17220 (VCV000017220.4), dbSNP rs397509375, ClinGen allele CA007073.

ClinVar aggregate classification (germline): Pathogenic. Review status: criteria provided, single submitter (1 of 4 stars). 2 submissions from 2 submitters: Pathogenic (1). 1 of the submissions does not count toward it. Last evaluated 2024-01-17.

Conditions:
Ehlers-Danlos syndrome, type 4 (EDSVASC). Also called: Ehlers-Danlos syndrome vascular type; Ehlers Danlos syndrome, ecchymotic type; Ehlers Danlos syndrome, arterial type; Ehlers Danlos syndrome, Sack-Barabas type; Ehlers-Danlos Syndrome Type IV. Identifiers: Orphanet 286, MedGen C0268338, MONDO:0017314, OMIM 130050.

Submissions (2):

Labcorp Genetics (formerly Invitae), Labcorp
Classification: Pathogenic for Ehlers-Danlos syndrome, type 4. Last evaluated: 2024-01-17. Review status: criteria provided, single submitter. Criteria: Invitae Variant Classification Sherloc (09022015). Collection method: clinical testing. Allele origin: germline.
Comment: This sequence change falls in intron 6 of the COL3A1 gene. It does not directly change the encoded amino acid sequence of the COL3A1 protein. RNA analysis indicates that this variant induces altered splicing and likely results in a shortened protein product. This variant is not present in population databases (gnomAD no frequency). This variant has been observed in individual(s) with Ehlers-Danlos syndrome (PMID: 8320698). This variant is also known as IVS7 T+6 to C+6,. ClinVar contains an entry for this variant (Variation ID: 17220). Variants that disrupt the consensus splice site are a relatively common cause of aberrant splicing (PMID: 17576681, 9536098). Studies have shown that this variant results in skipping of exon 6, but is expected to preserve the integrity of the reading-frame (PMID: 8320698). This variant disrupts the triple helix domain of COL3A1. Glycine residues within the Gly-Xaa-Yaa repeats of the triple helix domain are required for the structure and stability of fibrillar collagens (PMID: 7695699, 8218237, 19344236). In COL3A1, variants that affect these glycine residues are significantly enriched in individuals with disease (PMID: 24922459, 25758994) compared to the general population (ExAC). For these reasons, this variant has been classified as Pathogenic.

OMIM
Classification: Pathogenic for EHLERS-DANLOS SYNDROME, VASCULAR TYPE. Last evaluated: 1993-05-01. Review status: no assertion criteria provided. Collection method: literature only. Allele origin: germline. Not counted in ClinVar's aggregate classification.

Literature cited by the submitters: PubMed 8320698 (cited by Labcorp Genetics (formerly Invitae), Labcorp and OMIM); PubMed 17576681 (cited by Labcorp Genetics (formerly Invitae), Labcorp); PubMed 9536098 (cited by Labcorp Genetics (formerly Invitae), Labcorp); PubMed 7695699 (cited by Labcorp Genetics (formerly Invitae), Labcorp); PubMed 8218237 (cited by Labcorp Genetics (formerly Invitae), Labcorp); PubMed 19344236 (cited by Labcorp Genetics (formerly Invitae), Labcorp); PubMed 24922459 (cited by Labcorp Genetics (formerly Invitae), Labcorp); PubMed 25758994 (cited by Labcorp Genetics (formerly Invitae), Labcorp).